The following is an entry in ClinVar:

NM_001042681.2(RERE):c.1204-3C>T

Gene: RERE (arginine-glutamic acid dipeptide repeats; minus strand). Cytogenetic location: 1p36.23.
Variant type: single nucleotide variant.
Coding change: c.1204-3C>T on transcript NM_001042681.2 (MANE Select); 3 bases into the intron before coding-DNA position 1204, C replaced by T.
Molecular consequence: intron variant.
Genome position (GRCh38, 1-based): chr1:8,422,810, G>A on the plus strand (C>T on the coding strand, the complement: RERE is on the minus strand). VCF-style: chr1-8422810-G-A. GRCh37 (hg19) VCF-style: chr1-8482870-G-A.
Other names: c.1204-3C>T (NM_012102.4); c.-459-3C>T (NM_001042682.2).
Identifiers: ClinVar variation 3655609 (VCV003655609.2).
Genomic context (GRCh38, chr1:8,422,810, plus strand): 5'-CCTTTCTAATTCTGAAGAAGTTCTTCCCGTACTGCCTGAGTCCCTTAACGAAGCGTTTCT[G>A]TGATAAAAAGAAACAAATGGGATGTAAAAACCAAAAACAAAACAGGATGTCAGCAAAGCA-3'

ClinVar aggregate classification (germline): Uncertain significance (1 of 4 stars; one submission).

gnomAD v4.1: 1 of 1,610,608 alleles (0.000062%); highest among the groups gnomAD compares: Non-Finnish European, 0.000085%; no homozygotes.

Submission:

Labcorp Genetics (formerly Invitae), Labcorp
Classification: Uncertain significance. Last evaluated: 2024-10-05. Review status: criteria provided, single submitter. Criteria: Invitae Variant Classification Sherloc (09022015). Collection method: clinical testing. Allele origin: germline.
Comment: This sequence change falls in intron 12 of the RERE gene. It does not directly change the encoded amino acid sequence of the RERE protein. It affects a nucleotide within the consensus splice site. This variant is present in population databases (no rsID available, gnomAD 0.0009%). This variant has not been reported in the literature in individuals affected with RERE-related conditions. Variants that disrupt the consensus splice site are a relatively common cause of aberrant splicing (PMID: 17576681, 9536098). Algorithms developed to predict the effect of sequence changes on RNA splicing suggest that this variant is not likely to affect RNA splicing. In summary, the available evidence is currently insufficient to determine the role of this variant in disease. Therefore, it has been classified as a Variant of Uncertain Significance.

Literature cited by the submitters: PubMed 17576681; PubMed 9536098.